The following is an entry in ClinVar:

ClinVar aggregate classification (germline): Benign/Likely benign. Review status: criteria provided, multiple submitters, no conflicts (2 of 4 stars). 2 submissions from 2 submitters: Benign (1); Likely benign (1). Last evaluated 2024-07-05.

Conditions:
Oligodontia-cancer predisposition syndrome. Also called: TOOTH AGENESIS-COLORECTAL CANCER SYNDROME. Identifiers: Orphanet 300576, MedGen C1837750, MONDO:0012075, OMIM 608615. Disease mechanism: loss of function.

Submissions (2):

Myriad Genetics, Inc.
Classification: Benign for Oligodontia-cancer predisposition syndrome. Last evaluated: 2024-07-05. Review status: criteria provided, single submitter. Criteria: Myriad Autosomal Dominant, Autosomal Recessive and X-Linked Classification Criteria (2023). Collection method: clinical testing. Allele origin: unknown.
Comment: This variant is considered benign. This variant is a silent/synonymous amino acid change and it is not expected to impact splicing.

Labcorp Genetics (formerly Invitae), Labcorp
Classification: Likely benign for Oligodontia-cancer predisposition syndrome. Last evaluated: 2024-04-15. Review status: criteria provided, single submitter. Criteria: Invitae Variant Classification Sherloc (09022015). Collection method: clinical testing. Allele origin: germline.

NM_004655.4(AXIN2):c.1638C>T (p.Gly546=)

Gene: AXIN2 (axin 2; minus strand). Cytogenetic location: 17q24.1.
Variant type: single nucleotide variant.
Coding change: c.1638C>T on transcript NM_004655.4 (MANE Select); coding-DNA position 1638, C replaced by T.
Protein change: p.Gly546=; no amino-acid change (glycine 546 retained).
Molecular consequence: synonymous variant.
Genome position (GRCh38, 1-based): chr17:65,537,398, G>A on the plus strand (C>T on the coding strand, the complement: AXIN2 is on the minus strand). VCF-style: chr17-65537398-G-A. GRCh37 (hg19) VCF-style: chr17-63533516-G-A.
Other names: c.1638C>T, p.Gly546= (NM_001363813.1).
Identifiers: ClinVar variation 1663411 (VCV001663411.9), dbSNP rs2144457304, ClinGen allele CA501691130.